The following is an entry in ClinVar:

ClinVar aggregate classification (germline): Uncertain significance. Review status: criteria provided, multiple submitters, no conflicts (2 of 4 stars). 2 submissions from 2 submitters: Uncertain significance (2). Last evaluated 2024-10-01.

Conditions:
Hereditary cancer-predisposing syndrome. Also called: Tumor predisposition; Neoplastic Syndromes, Hereditary; Hereditary neoplastic syndrome; Hereditary Cancer Syndrome. Identifiers: Orphanet 140162, MedGen C0027672, MeSH D009386, MONDO:0015356.
Gastrointestinal stromal tumor. Also called: Gastrointestinal stromal tumor, somatic; Gastrointestinal stroma tumor. Identifiers: Orphanet 44890, MedGen C0238198, MeSH D046152, MONDO:0011719, OMIM 606764, HP:0100723.

Submissions (2):

Ambry Genetics
Classification: Uncertain significance for Hereditary cancer-predisposing syndrome. Last evaluated: 2024-10-01. Review status: criteria provided, single submitter. Criteria: Ambry Variant Classification Scheme 2023. Collection method: clinical testing. Allele origin: germline.
Comment: The p.D129H variant (also known as c.385G>C), located in coding exon 3 of the KIT gene, results from a G to C substitution at nucleotide position 385. The aspartic acid at codon 129 is replaced by histidine, an amino acid with similar properties. This amino acid position is conserved. In addition, this alteration is predicted to be tolerated by in silico analysis. Based on the available evidence, the clinical significance of this variant remains unclear.

Labcorp Genetics (formerly Invitae), Labcorp
Classification: Uncertain significance for Gastrointestinal stromal tumor. Last evaluated: 2021-05-27. Review status: criteria provided, single submitter. Criteria: Invitae Variant Classification Sherloc (09022015). Collection method: clinical testing. Allele origin: germline.
Comment: In summary, the available evidence is currently insufficient to determine the role of this variant in disease. Therefore, it has been classified as a Variant of Uncertain Significance. Algorithms developed to predict the effect of missense changes on protein structure and function are either unavailable or do not agree on the potential impact of this missense change (SIFT: "Tolerated"; PolyPhen-2: "Possibly Damaging"; Align-GVGD: "Class C0"). This variant has not been reported in the literature in individuals with KIT-related conditions. This variant is not present in population databases (ExAC no frequency). This sequence change replaces aspartic acid with histidine at codon 129 of the KIT protein (p.Asp129His). The aspartic acid residue is moderately conserved and there is a moderate physicochemical difference between aspartic acid and histidine.

NM_000222.3(KIT):c.385G>C (p.Asp129His)

Gene: KIT (KIT proto-oncogene, receptor tyrosine kinase; plus strand). Cytogenetic location: 4q12.
Variant type: single nucleotide variant.
Coding change: c.385G>C on transcript NM_000222.3 (MANE Select); coding-DNA position 385, G replaced by C.
Protein change: p.Asp129His; replaces aspartic acid 129 with histidine.
Molecular consequence: missense variant.
Genome position (GRCh38, 1-based): chr4:54,698,331, G>C. VCF-style: chr4-54698331-G-C. GRCh37 (hg19) VCF-style: chr4-55564497-G-C.
Other names: c.385G>C, p.Asp129His (NM_001093772.2, NM_001385284.1, NM_001385285.1 and 4 more transcripts); c.385G>C (NM_000222.2); short protein forms D129H.
Identifiers: ClinVar variation 1043536 (VCV001043536.10), dbSNP rs1720220156, ClinGen allele CA356897478.